The following is an entry in ClinVar:

ClinVar aggregate classification (germline): Likely benign (1 of 4 stars; one submission).

gnomAD v4.1: 22 of 1,614,174 alleles (0.0014%); highest among the groups gnomAD compares: Middle Eastern, 0.016%; no homozygotes.

Submission:

CeGaT Center for Human Genetics Tuebingen
Classification: Likely benign. Last evaluated: 2025-10-01. Review status: criteria provided, single submitter. Criteria: CeGaT Center For Human Genetics Tuebingen Variant Classification Criteria Version 2. Collection method: clinical testing. Allele origin: germline. Affected: yes. Observed: 1 variant allele.
Comment: SRRM2: BP4

NM_016333.4(SRRM2):c.4265C>T (p.Ala1422Val)

Gene: SRRM2 (serine/arginine repetitive matrix 2; plus strand). Cytogenetic location: 16p13.3.
Variant type: single nucleotide variant.
Coding change: c.4265C>T on transcript NM_016333.4 (MANE Select); coding-DNA position 4265, C replaced by T.
Protein change: p.Ala1422Val; replaces alanine 1422 with valine.
Molecular consequence: missense variant.
Genome position (GRCh38, 1-based): chr16:2,764,793, C>T. VCF-style: chr16-2764793-C-T. GRCh37 (hg19) VCF-style: chr16-2814794-C-T.
Other names: short protein forms A1422V.
Identifiers: ClinVar variation 4534176 (VCV004534176.6).